The following is an entry in ClinVar:

NM_004360.5(CDH1):c.1557G>C (p.Gln519His)

Gene: CDH1 (cadherin 1; plus strand). Cytogenetic location: 16q22.1.
Variant type: single nucleotide variant.
Coding change: c.1557G>C on transcript NM_004360.5 (MANE Select); coding-DNA position 1557, G replaced by C.
Protein change: p.Gln519His; replaces glutamine 519 with histidine.
Molecular consequence: missense variant. On other transcripts: 5 prime UTR variant (1).
Genome position (GRCh38, 1-based): chr16:68,815,751, G>C. VCF-style: chr16-68815751-G-C. GRCh37 (hg19) VCF-style: chr16-68849654-G-C.
Other names: c.1374G>C, p.Gln458His (NM_001317184.2); c.9G>C, p.Gln3His (NM_001317185.2); c.-263G>C (NM_001317186.2); short protein forms Q519H, Q458H, Q3H.
Identifiers: ClinVar variation 3488633 (VCV003488633.1).

ClinVar aggregate classification (germline): Uncertain significance (1 of 4 stars; one submission).

Conditions:
Hereditary cancer-predisposing syndrome. Also called: Tumor predisposition; Neoplastic Syndromes, Hereditary; Hereditary Cancer Syndrome; Hereditary neoplastic syndrome. Identifiers: Orphanet 140162, MedGen C0027672, MeSH D009386, MONDO:0015356.

gnomAD v4.1: 1 of 1,614,234 alleles (0.000062%); no homozygotes.

Submission:

Ambry Genetics
Classification: Uncertain significance for Hereditary cancer-predisposing syndrome. Last evaluated: 2024-07-11. Review status: criteria provided, single submitter. Criteria: Ambry Variant Classification Scheme 2023. Collection method: clinical testing. Allele origin: germline.
Comment: The p.Q519H variant (also known as c.1557G>C), located in coding exon 10 of the CDH1 gene, results from a G to C substitution at nucleotide position 1557. The glutamine at codon 519 is replaced by histidine, an amino acid with highly similar properties. This amino acid position is highly conserved in available vertebrate species. In addition, the in silico prediction for this alteration is inconclusive. Based on the available evidence, the clinical significance of this variant remains unclear.